The following is an entry in ClinVar:

NM_000814.6(GABRB3):c.376G>A (p.Asp126Asn)

Gene: GABRB3 (gamma-aminobutyric acid type A receptor subunit beta3; minus strand). Cytogenetic location: 15q12.
Variant type: single nucleotide variant.
Coding change: c.376G>A on transcript NM_000814.6 (MANE Select); coding-DNA position 376, G replaced by A.
Protein change: p.Asp126Asn; replaces aspartic acid 126 with asparagine.
Molecular consequence: missense variant. On other transcripts: non-coding transcript variant (1).
Genome position (GRCh38, 1-based): chr15:26,621,399, C>T on the plus strand (G>A on the coding strand, the complement: GABRB3 is on the minus strand). VCF-style: chr15-26621399-C-T. GRCh37 (hg19) VCF-style: chr15-26866546-C-T.
Other names: c.121G>A, p.Asp41Asn (NM_001278631.2, NM_001191320.2); c.376G>A, p.Asp126Asn (NM_021912.5); c.163G>A, p.Asp55Asn (NM_001191321.3); short protein forms D126N, D41N, D55N.
Identifiers: ClinVar variation 3754029 (VCV003754029.2).

ClinVar aggregate classification (germline): Uncertain significance (1 of 4 stars; one submission).

Conditions:
Epilepsy, childhood absence, susceptibility to, 1. Also called: Epilepsy, childhood absence 1. Identifiers: Orphanet 64280, MedGen C1838604, MONDO:0020759, OMIM 600131.
Epilepsy, childhood absence, susceptibility to, 5. Identifiers: Orphanet 64280, MedGen C2677087, MONDO:0012843, OMIM 612269.

Submission:

Labcorp Genetics (formerly Invitae), Labcorp
Classification: Uncertain significance for Epilepsy, childhood absence, susceptibility to, 5; Epilepsy, childhood absence, susceptibility to, 1. Last evaluated: 2024-02-23. Review status: criteria provided, single submitter. Criteria: Invitae Variant Classification Sherloc (09022015). Collection method: clinical testing. Allele origin: germline.
Comment: This sequence change replaces aspartic acid, which is acidic and polar, with asparagine, which is neutral and polar, at codon 126 of the GABRB3 protein (p.Asp126Asn). This variant is not present in population databases (gnomAD no frequency). This variant has not been reported in the literature in individuals affected with GABRB3-related conditions. Advanced modeling of protein sequence and biophysical properties (such as structural, functional, and spatial information, amino acid conservation, physicochemical variation, residue mobility, and thermodynamic stability) performed at Invitae indicates that this missense variant is expected to disrupt GABRB3 protein function with a positive predictive value of 95%. In summary, the available evidence is currently insufficient to determine the role of this variant in disease. Therefore, it has been classified as a Variant of Uncertain Significance.